The following is an entry in ClinVar:

ClinVar aggregate classification (germline): Uncertain significance (1 of 4 stars; one submission).

Conditions:
Carnitine palmitoyltransferase II deficiency. Also called: Carnitine Palmitoyltransferase 2 Deficiency. Identifiers: Orphanet 157, MedGen C0342790, MONDO:0015515.

Allele frequency attached by ClinVar (database versions not stated): TOPMed below 0.00001.

Submission:

Labcorp Genetics (formerly Invitae), Labcorp
Classification: Uncertain significance for Carnitine palmitoyltransferase II deficiency. Last evaluated: 2021-06-20. Review status: criteria provided, single submitter. Criteria: Invitae Variant Classification Sherloc (09022015). Collection method: clinical testing. Allele origin: germline.
Comment: In summary, the available evidence is currently insufficient to determine the role of this variant in disease. Therefore, it has been classified as a Variant of Uncertain Significance. Advanced modeling of protein sequence and biophysical properties (such as structural, functional, and spatial information, amino acid conservation, physicochemical variation, residue mobility, and thermodynamic stability) performed at Invitae indicates that this missense variant is not expected to disrupt CPT2 protein function. This variant has not been reported in the literature in individuals with CPT2-related conditions. This variant is not present in population databases (ExAC no frequency). This sequence change replaces serine with arginine at codon 314 of the CPT2 protein (p.Ser314Arg). The serine residue is weakly conserved and there is a moderate physicochemical difference between serine and arginine.

NM_000098.3(CPT2):c.940A>C (p.Ser314Arg)

Gene: CPT2 (carnitine palmitoyltransferase 2; plus strand). Cytogenetic location: 1p32.3.
Variant type: single nucleotide variant.
Coding change: c.940A>C on transcript NM_000098.3 (MANE Select); coding-DNA position 940, A replaced by C.
Protein change: p.Ser314Arg; replaces serine 314 with arginine.
Molecular consequence: missense variant.
Genome position (GRCh38, 1-based): chr1:53,210,614, A>C. VCF-style: chr1-53210614-A-C. GRCh37 (hg19) VCF-style: chr1-53676286-A-C.
Other names: c.940A>C, p.Ser314Arg (NM_001330589.2); short protein forms S314R.
Identifiers: ClinVar variation 1356598 (VCV001356598.6), dbSNP rs748646501, ClinGen allele CA340394170.